The following is an entry in ClinVar:

NM_015705.6(SGSM3):c.1875C>G (p.Val625=)

Gene: SGSM3 (small G protein signaling modulator 3; plus strand). Cytogenetic location: 22q13.1.
Variant type: single nucleotide variant.
Coding change: c.1875C>G on transcript NM_015705.6 (MANE Select); coding-DNA position 1875, C replaced by G.
Protein change: p.Val625=; no amino-acid change (valine 625 retained).
Molecular consequence: synonymous variant. On other transcripts: non-coding transcript variant (4).
Genome position (GRCh38, 1-based): chr22:40,408,815, C>G. VCF-style: chr22-40408815-C-G. GRCh37 (hg19) VCF-style: chr22-40804819-C-G.
Other names: c.1608C>G, p.Val536= (NM_001301849.2); c.1875C>G, p.Val625= (NM_001350039.2, NM_001350040.2, NM_001350041.2); c.1686C>G, p.Val562= (NM_001350042.2, NM_001350044.2, NM_001350045.2); c.1674C>G, p.Val558= (NM_001350043.2, NM_001350046.2, NM_001350047.2); c.1377C>G, p.Val459= (NM_001350048.2).
Identifiers: ClinVar variation 5038633 (VCV005038633.1).

ClinVar aggregate classification (germline): Likely benign (1 of 4 stars; one submission).

gnomAD v4.1: 56 of 1,613,770 alleles (0.0035%); highest among the groups gnomAD compares: Middle Eastern, 0.15%; 1 homozygote.

Submission:

CeGaT Center for Human Genetics Tuebingen
Classification: Likely benign. Last evaluated: 2026-08-01. Review status: criteria provided, single submitter. Criteria: CeGaT Center For Human Genetics Tuebingen Variant Classification Criteria Version 2. Collection method: clinical testing. Allele origin: germline. Affected: yes. Observed: 1 variant allele.
Comment: SGSM3: BP4, BP7